The following is an entry in ClinVar:

NM_002609.4(PDGFRB):c.449G>A (p.Arg150Gln)

Gene: PDGFRB (platelet derived growth factor receptor beta; minus strand). Cytogenetic location: 5q32.
Variant type: single nucleotide variant.
Coding change: c.449G>A on transcript NM_002609.4 (MANE Select); coding-DNA position 449, G replaced by A.
Protein change: p.Arg150Gln; replaces arginine 150 with glutamine.
Molecular consequence: missense variant. On other transcripts: 5 prime UTR variant (1).
Genome position (GRCh38, 1-based): chr5:150,134,932, C>T on the plus strand (G>A on the coding strand, the complement: PDGFRB is on the minus strand). VCF-style: chr5-150134932-C-T. GRCh37 (hg19) VCF-style: chr5-149514495-C-T.
Other names: c.257G>A, p.Arg86Gln (NM_001355016.2); c.-69G>A (NM_001355017.2); short protein forms R86Q, R150Q.
Identifiers: ClinVar variation 2946473 (VCV002946473.3), dbSNP rs760987130, ClinGen allele CA3508308.

ClinVar aggregate classification (germline): Uncertain significance (1 of 4 stars; one submission).

Conditions:
Infantile myofibromatosis (IMF). Also called: Congenital generalized fibromatosis. Identifiers: Orphanet 2591, MedGen C0432284, MONDO:0016824.
Skeletal overgrowth-craniofacial dysmorphism-hyperelastic skin-white matter lesions syndrome. Also called: SKELETAL OVERGROWTH WITH FACIAL DYSMORPHISM, HYPERELASTIC SKIN, WHITE MATTER LESIONS, AND NEUROLOGIC DETERIORATION; Kosaki overgrowth syndrome. Identifiers: Orphanet 477831, MedGen C4225270, MONDO:0014704, OMIM 616592.
Acroosteolysis-keloid-like lesions-premature aging syndrome. Also called: Premature aging syndrome, Penttinen type; Prematurely aged appearance, delayed bone maturation, acro-osteolysis, and brachydactyly; Progeroid syndrome, Penttinen type. Identifiers: Orphanet 363665, MedGen C1866182, MONDO:0011150, OMIM 601812.
Basal ganglia calcification, idiopathic, 4 (PFBC4). Also called: Familial Idiopathic Basal Ganglia Calcification 4; PRIMARY FAMILIAL BRAIN CALCIFICATION 4, AUTOSOMAL DOMINANT. Identifiers: Orphanet 1980, MedGen C3554321, MONDO:0014004, OMIM 615007.

Allele frequency attached by ClinVar (database versions not stated): gnomAD 0.00003; ExAC 0.00005; gnomAD exomes 0.00003; TOPMed 0.00003.
gnomAD v4.1: 50 of 1,613,720 alleles (0.0031%); highest among the groups gnomAD compares: Middle Eastern, 0.017%; no homozygotes.

Submission:

Labcorp Genetics (formerly Invitae), Labcorp
Classification: Uncertain significance for Basal ganglia calcification, idiopathic, 4; Skeletal overgrowth-craniofacial dysmorphism-hyperelastic skin-white matter lesions syndrome; Infantile myofibromatosis; Acroosteolysis-keloid-like lesions-premature aging syndrome. Last evaluated: 2025-01-01. Review status: criteria provided, single submitter. Criteria: Invitae Variant Classification Sherloc (09022015). Collection method: clinical testing. Allele origin: germline.
Comment: This sequence change replaces arginine, which is basic and polar, with glutamine, which is neutral and polar, at codon 150 of the PDGFRB protein (p.Arg150Gln). This variant is present in population databases (rs760987130, gnomAD 0.01%). This variant has not been reported in the literature in individuals affected with PDGFRB-related conditions. ClinVar contains an entry for this variant (Variation ID: 2946473). Invitae Evidence Modeling of protein sequence and biophysical properties (such as structural, functional, and spatial information, amino acid conservation, physicochemical variation, residue mobility, and thermodynamic stability) indicates that this missense variant is not expected to disrupt PDGFRB protein function with a negative predictive value of 80%. In summary, the available evidence is currently insufficient to determine the role of this variant in disease. Therefore, it has been classified as a Variant of Uncertain Significance.